The following is an entry in ClinVar:

ClinVar aggregate classification (germline): Uncertain significance. Review status: criteria provided, multiple submitters, no conflicts (2 of 4 stars). 2 submissions from 2 submitters: Uncertain significance (2). Last evaluated 2025-02-15.

Conditions:
Inborn genetic diseases. Identifiers: MedGen C0950123, MeSH D030342.

Allele frequency attached by ClinVar (database versions not stated): TOPMed below 0.00001; gnomAD exomes 0.00002.
gnomAD v4.1: 26 of 1,612,990 alleles (0.0016%); highest among the groups gnomAD compares: Non-Finnish European, 0.002%; no homozygotes.

Submissions (2):

Ambry Genetics
Classification: Uncertain significance for Inborn genetic diseases. Last evaluated: 2025-02-15. Review status: criteria provided, single submitter. Criteria: Ambry Variant Classification Scheme 2023. Collection method: clinical testing. Allele origin: germline.

Labcorp Genetics (formerly Invitae), Labcorp
Classification: Uncertain significance. Last evaluated: 2021-01-25. Review status: criteria provided, single submitter. Criteria: Invitae Variant Classification Sherloc (09022015). Collection method: clinical testing. Allele origin: germline.
Comment: In summary, the available evidence is currently insufficient to determine the role of this variant in disease. Therefore, it has been classified as a Variant of Uncertain Significance. Algorithms developed to predict the effect of missense changes on protein structure and function are either unavailable or do not agree on the potential impact of this missense change (SIFT: "Tolerated"; PolyPhen-2: "Not Available"; Align-GVGD: "Class C0"). This variant has not been reported in the literature in individuals with ACAN-related conditions. This variant is not present in population databases (ExAC no frequency). This sequence change replaces glycine with arginine at codon 365 of the ACAN protein (p.Gly365Arg). The glycine residue is highly conserved and there is a moderate physicochemical difference between glycine and arginine.

NM_001369268.1(ACAN):c.1093G>A (p.Gly365Arg)

Gene: ACAN (aggrecan; plus strand). Cytogenetic location: 15q26.1.
Variant type: single nucleotide variant.
Coding change: c.1093G>A on transcript NM_001369268.1 (MANE Select); coding-DNA position 1093, G replaced by A.
Protein change: p.Gly365Arg; replaces glycine 365 with arginine.
Molecular consequence: missense variant.
Genome position (GRCh38, 1-based): chr15:88,845,546, G>A. VCF-style: chr15-88845546-G-A. GRCh37 (hg19) VCF-style: chr15-89388777-G-A.
Other names: c.1093G>A (NM_013227.3); c.1093G>A, p.Gly365Arg (NM_001135.4, NM_013227.4); short protein forms G365R.
Identifiers: ClinVar variation 1354072 (VCV001354072.9), dbSNP rs1896770677, ClinGen allele CA393709326.